The following is an entry in ClinVar:

NM_004370.6(COL12A1):c.7651T>C (p.Ser2551Pro)

Gene: COL12A1 (collagen type XII alpha 1 chain; minus strand). Cytogenetic location: 6q13.
Variant type: single nucleotide variant.
Coding change: c.7651T>C on transcript NM_004370.6 (MANE Select); coding-DNA position 7651, T replaced by C.
Protein change: p.Ser2551Pro; replaces serine 2551 with proline.
Molecular consequence: missense variant.
Genome position (GRCh38, 1-based): chr6:75,115,830, A>G on the plus strand (T>C on the coding strand, the complement: COL12A1 is on the minus strand). VCF-style: chr6-75115830-A-G. GRCh37 (hg19) VCF-style: chr6-75825546-A-G.
Other names: c.7651T>C, p.Ser2551Pro (NM_001424113.1); c.7630T>C, p.Ser2544Pro (NM_001424114.1); c.7378T>C, p.Ser2460Pro (NM_001424115.1); c.4159T>C, p.Ser1387Pro (NM_001424116.1, NM_080645.3); short protein forms S2551P, S2544P, S1387P, S2460P.
Identifiers: ClinVar variation 4793461 (VCV004793461.1).

ClinVar aggregate classification (germline): Uncertain significance (1 of 4 stars; one submission).

Conditions:
Ullrich congenital muscular dystrophy 2 (UCMD2). Identifiers: Orphanet 75840, MedGen C4225314, MONDO:0014654, OMIM 616470.
Bethlem myopathy 2 (BTHLM2). Identifiers: Orphanet 536516, Orphanet 610, MedGen C4225313, MONDO:0034022, OMIM 616471.

Submission:

Labcorp Genetics (formerly Invitae), Labcorp
Classification: Uncertain significance for Bethlem myopathy 2; Ullrich congenital muscular dystrophy 2. Last evaluated: 2025-11-16. Review status: criteria provided, single submitter. Criteria: Invitae Variant Classification Sherloc (09022015). Collection method: clinical testing. Allele origin: germline.
Comment: This sequence change replaces serine, which is neutral and polar, with proline, which is neutral and non-polar, at codon 2551 of the COL12A1 protein (p.Ser2551Pro). This variant is not present in population databases (gnomAD no frequency). This variant has not been reported in the literature in individuals affected with COL12A1-related conditions. Invitae Evidence Modeling of protein sequence and biophysical properties (such as structural, functional, and spatial information, amino acid conservation, physicochemical variation, residue mobility, and thermodynamic stability) indicates that this missense variant is not expected to disrupt COL12A1 protein function with a negative predictive value of 80%. In summary, the available evidence is currently insufficient to determine the role of this variant in disease. Therefore, it has been classified as a Variant of Uncertain Significance.